The following is an entry in ClinVar:

ClinVar aggregate classification (germline): Uncertain significance (1 of 4 stars; one submission).

Conditions:
Cardiovascular phenotype. Identifiers: MedGen CN230736.

Submission:

Ambry Genetics
Classification: Uncertain significance for Cardiovascular phenotype. Last evaluated: 2026-07-04. Review status: criteria provided, single submitter. Criteria: Ambry Variant Classification Scheme 2023. Collection method: clinical testing. Allele origin: germline.
Comment: The p.T1375I variant (also known as c.4124C>T), located in coding exon 27 of the MYH6 gene, results from a C to T substitution at nucleotide position 4124. The threonine at codon 1375 is replaced by isoleucine, an amino acid with similar properties. This amino acid position is conserved. In addition, the in silico prediction for this alteration is inconclusive. Based on the available evidence, the clinical significance of this variant remains unclear.

NM_002471.4(MYH6):c.4124C>T (p.Thr1375Ile)

Gene: MYH6 (myosin heavy chain 6; minus strand). Cytogenetic location: 14q11.2.
Variant type: single nucleotide variant.
Coding change: c.4124C>T on transcript NM_002471.4 (MANE Select); coding-DNA position 4124, C replaced by T.
Protein change: p.Thr1375Ile; replaces threonine 1375 with isoleucine.
Molecular consequence: missense variant.
Genome position (GRCh38, 1-based): chr14:23,388,910, G>A on the plus strand (C>T on the coding strand, the complement: MYH6 is on the minus strand). VCF-style: chr14-23388910-G-A. GRCh37 (hg19) VCF-style: chr14-23858119-G-A.
Other names: short protein forms T1375I.
Identifiers: ClinVar variation 5025122 (VCV005025122.1).